The following is an entry in ClinVar:

NM_002224.4(ITPR3):c.7673A>G (p.His2558Arg)

Gene: ITPR3 (inositol 1,4,5-trisphosphate receptor type 3; plus strand). Cytogenetic location: 6p21.31.
Variant type: single nucleotide variant.
Coding change: c.7673A>G on transcript NM_002224.4 (MANE Select); coding-DNA position 7673, A replaced by G.
Protein change: p.His2558Arg; replaces histidine 2558 with arginine.
Molecular consequence: missense variant.
Genome position (GRCh38, 1-based): chr6:33,693,593, A>G. VCF-style: chr6-33693593-A-G. GRCh37 (hg19) VCF-style: chr6-33661370-A-G.
Other names: short protein forms H2558R.
Identifiers: ClinVar variation 4539915 (VCV004539915.1).
Genomic context (GRCh38, chr6:33,693,593, plus strand): 5'-CTGCACCCTCAGGTCTGGAGAGGGACAAGTTTGATAACAAGACAGTGTCATTTGAGGAAC[A>G]CATCAAGCTGGAGCACAACATGTGGAACTACTTGTACTTCATTGTGCTGGTCCGCGTGAA-3'
Protein context (NP_002215.2, residues 2548-2568): FDNKTVSFEE[His2558Arg]IKLEHNMWNY

ClinVar aggregate classification (germline): Uncertain significance (1 of 4 stars; one submission).

gnomAD v4.1: 2 of 1,614,078 alleles (0.00012%); highest among the groups gnomAD compares: Admixed American, 0.0033%; no homozygotes.

Submission:

GeneDx
Classification: Uncertain significance. Last evaluated: 2025-06-27. Review status: criteria provided, single submitter. Criteria: GeneDx Variant Classification Process June 2021. Collection method: clinical testing. Allele origin: germline. Affected: yes.
Comment: Not observed at significant frequency in large population cohorts (gnomAD); In silico analysis supports that this missense variant has a deleterious effect on protein structure/function; Has not been previously published as pathogenic or benign to our knowledge